The following is an entry in ClinVar:

ClinVar aggregate classification (germline): Uncertain significance (1 of 4 stars; one submission).

Submission:

GeneDx
Classification: Uncertain significance. Last evaluated: 2024-05-21. Review status: criteria provided, single submitter. Criteria: GeneDx Variant Classification Process June 2021. Collection method: clinical testing. Allele origin: germline. Affected: yes.
Comment: Not observed at significant frequency in large population cohorts (gnomAD); In-frame duplication of 4 amino acids in a non-repeat region; Has not been previously published as pathogenic or benign to our knowledge

NM_000388.4(CASR):c.2690_2701dup (p.Ser900_Ser901insLysArgSerSer)

Gene: CASR (calcium sensing receptor; plus strand). Cytogenetic location: 3q21.1.
Variant type: Duplication.
Coding change: c.2690_2701dup on transcript NM_000388.4 (MANE Select); coding-DNA positions 2690 to 2701, 12 bases duplicated (AGCGGTCCAGCA).
Protein change: p.Ser900_Ser901insLysArgSerSer.
Molecular consequence: inframe insertion.
Genome position (GRCh38, 1-based): chr3:122,284,644-122,284,655, AGCGGTCCAGCA duplicated; duplicating any 12 consecutive bases within chr3:122,284,641-122,284,655 gives the same sequence; the c. name uses the placement nearest the transcript's 3' end. VCF-style (leftmost placement, unchanged base first): chr3-122284640-C-CGCAAGCGGTCCA. GRCh37 (hg19) VCF-style: chr3-122003487-C-CGCAAGCGGTCCA.
Other names: c.2720_2731dup, p.Ser910_Ser911insLysArgSerSer (NM_001178065.2).
Identifiers: ClinVar variation 3381625 (VCV003381625.1).